The following is an entry in ClinVar:

NM_031935.3(HMCN1):c.6986A>T (p.Asp2329Val)

Gene: HMCN1 (hemicentin 1; plus strand). Cytogenetic location: 1q31.1.
Variant type: single nucleotide variant.
Coding change: c.6986A>T on transcript NM_031935.3 (MANE Select); coding-DNA position 6986, A replaced by T.
Protein change: p.Asp2329Val; replaces aspartic acid 2329 with valine.
Molecular consequence: missense variant.
Genome position (GRCh38, 1-based): chr1:186,055,516, A>T. VCF-style: chr1-186055516-A-T. GRCh37 (hg19) VCF-style: chr1-186024648-A-T.
Other names: short protein forms D2329V.
Identifiers: ClinVar variation 2118903 (VCV002118903.4), dbSNP rs1042949143, ClinGen allele CA343902039.

ClinVar aggregate classification (germline): Uncertain significance (1 of 4 stars; one submission).

gnomAD v4.1: 15 of 1,612,968 alleles (0.00093%); highest among the groups gnomAD compares: East Asian, 0.033%; no homozygotes.

Submission:

Labcorp Genetics (formerly Invitae), Labcorp
Classification: Uncertain significance. Last evaluated: 2022-03-28. Review status: criteria provided, single submitter. Criteria: Invitae Variant Classification Sherloc (09022015). Collection method: clinical testing. Allele origin: germline.
Comment: This sequence change replaces aspartic acid, which is acidic and polar, with valine, which is neutral and non-polar, at codon 2329 of the HMCN1 protein (p.Asp2329Val). In summary, the available evidence is currently insufficient to determine the role of this variant in disease. Therefore, it has been classified as a Variant of Uncertain Significance. Algorithms developed to predict the effect of missense changes on protein structure and function (SIFT, PolyPhen-2, Align-GVGD) all suggest that this variant is likely to be disruptive. This variant has not been reported in the literature in individuals affected with HMCN1-related conditions. This variant is not present in population databases (gnomAD no frequency).